The following is an entry in ClinVar:

ClinVar aggregate classification (germline): Uncertain significance (1 of 4 stars; one submission).

Conditions:
Hereditary cancer-predisposing syndrome. Also called: Neoplastic Syndromes, Hereditary; Tumor predisposition; Hereditary neoplastic syndrome; Hereditary Cancer Syndrome. Identifiers: Orphanet 140162, MedGen C0027672, MeSH D009386, MONDO:0015356.

Submission:

Ambry Genetics
Classification: Uncertain significance for Hereditary cancer-predisposing syndrome. Last evaluated: 2025-04-25. Review status: criteria provided, single submitter. Criteria: Ambry Variant Classification Scheme 2023. Collection method: clinical testing. Allele origin: germline.
Comment: The p.R183S variant (also known as c.549G>T), located in coding exon 5 of the MITF gene, results from a G to T substitution at nucleotide position 549. The arginine at codon 183 is replaced by serine, an amino acid with dissimilar properties. This amino acid position is conserved. In addition, this alteration is predicted to be tolerated by in silico analysis. Based on the available evidence, the clinical significance of this variant remains unclear.

NM_001354604.2(MITF):c.870G>T (p.Arg290Ser)

Gene: MITF (melanocyte inducing transcription factor; plus strand). Cytogenetic location: 3p13.
Variant type: single nucleotide variant.
Coding change: c.870G>T on transcript NM_001354604.2 (MANE Select); coding-DNA position 870, G replaced by T.
Protein change: p.Arg290Ser; replaces arginine 290 with serine.
Molecular consequence: missense variant.
Genome position (GRCh38, 1-based): chr3:69,949,158, G>T. VCF-style: chr3-69949158-G-T. GRCh37 (hg19) VCF-style: chr3-69998309-G-T.
Other names: c.870G>T, p.Arg290Ser (NM_198159.3); c.822G>T, p.Arg274Ser (NM_198177.3); c.381G>T, p.Arg127Ser (NM_198178.3); c.549G>T, p.Arg183Ser (NM_000248.4, NM_198158.3); c.714G>T, p.Arg238Ser (NM_001184967.2, NM_001354608.2); c.867G>T, p.Arg289Ser (NM_001354605.2, NM_001354606.2, NM_006722.3); c.819G>T, p.Arg273Ser (NM_001354607.2); short protein forms R183S, R289S, R290S, R273S, R127S, R238S, R274S.
Identifiers: ClinVar variation 4055197 (VCV004055197.1).